The following is an entry in ClinVar:

NM_014979.4(SV2C):c.1627G>A (p.Asp543Asn)

Genes: SV2C (synaptic vesicle glycoprotein 2C; plus strand), SV2C-AS2 (SV2C antisense RNA 2; minus strand). Cytogenetic location: 5q13.3.
Variant type: single nucleotide variant.
Coding change: c.1627G>A on transcript NM_014979.4 (MANE Select); coding-DNA position 1627, G replaced by A.
Protein change: p.Asp543Asn; replaces aspartic acid 543 with asparagine.
Molecular consequence: missense variant.
Genome position (GRCh38, 1-based): chr5:76,298,918, G>A. VCF-style: chr5-76298918-G-A. GRCh37 (hg19) VCF-style: chr5-75594743-G-A.
Other names: c.1627G>A, p.Asp543Asn (NM_001297716.2); short protein forms D543N.
Identifiers: ClinVar variation 3060811 (VCV003060811.2), dbSNP rs31244, ClinGen allele CA3311321.

ClinVar aggregate classification (germline): Benign (0 of 4 stars; one submission).

Conditions:
SV2C-related disorder. Also called: SV2C-related condition.

Allele frequency attached by ClinVar (database versions not stated): gnomAD exomes 0.08132; ExAC 0.09108; ESP Exome Variant Server 0.09430; 1000 Genomes Project 0.09844; 1000 Genomes Project 30x 0.10197; gnomAD 0.10353; TOPMed 0.10750.
gnomAD v4.1: 134,488 of 1,613,424 alleles (8.3%); highest among the groups gnomAD compares: Admixed American, 16%; 6,155 homozygotes.

Submission:

PreventionGenetics, part of Exact Sciences
Classification: Benign for SV2C-related condition. Last evaluated: 2019-11-01. Review status: no assertion criteria provided. Collection method: clinical testing. Allele origin: germline.
Comment: This variant is classified as benign based on ACMG/AMP sequence variant interpretation guidelines (Richards et al. 2015 PMID: 25741868, with internal and published modifications).